The following is an entry in ClinVar:

NM_012448.4(STAT5B):c.880C>T (p.Arg294Cys)

Gene: STAT5B (signal transducer and activator of transcription 5B; minus strand). Cytogenetic location: 17q21.2.
Variant type: single nucleotide variant.
Coding change: c.880C>T on transcript NM_012448.4 (MANE Select); coding-DNA position 880, C replaced by T.
Protein change: p.Arg294Cys; replaces arginine 294 with cysteine.
Molecular consequence: missense variant.
Genome position (GRCh38, 1-based): chr17:42,218,832, G>A on the plus strand (C>T on the coding strand, the complement: STAT5B is on the minus strand). VCF-style: chr17-42218832-G-A. GRCh37 (hg19) VCF-style: chr17-40370850-G-A.
Other names: short protein forms R294C.
Identifiers: ClinVar variation 4176413 (VCV004176413.2).

ClinVar aggregate classification (germline): Uncertain significance. Review status: criteria provided, multiple submitters, no conflicts (2 of 4 stars). 2 submissions from 2 submitters: Uncertain significance (2). Last evaluated 2025-06-25.

Conditions:
STAT5B-related disorder. Also called: STAT5B-related condition.
Inborn genetic diseases. Identifiers: MedGen C0950123, MeSH D030342.

gnomAD v4.1: 7 of 1,613,358 alleles (0.00043%); highest among the groups gnomAD compares: South Asian, 0.0022%; no homozygotes.

Submissions (2):

Ambry Genetics
Classification: Uncertain significance for Inborn genetic diseases. Last evaluated: 2025-06-25. Review status: criteria provided, single submitter. Criteria: Ambry Variant Classification Scheme 2023. Collection method: clinical testing. Allele origin: germline.

PreventionGenetics, part of Exact Sciences
Classification: Uncertain significance for STAT5B-related condition. Last evaluated: 2025-02-07. Review status: criteria provided, single submitter. Criteria: ACMG Guidelines, 2015. Collection method: clinical testing. Allele origin: germline.
Comment: The STAT5B c.880C>T variant is predicted to result in the amino acid substitution p.Arg294Cys. To our knowledge, this variant has not been reported in the literature. This variant is reported in 0.0065% of alleles in individuals of European (Non-Finnish) descent in gnomAD. At this time, the clinical significance of this variant is uncertain due to the absence of conclusive functional and genetic evidence.